The following is an entry in ClinVar:

NM_052945.4(TNFRSF13C):c.257G>T (p.Gly86Val)

Genes: TNFRSF13C (TNF receptor superfamily member 13C; minus strand), LOC130067574 (ATAC-STARR-seq lymphoblastoid silent region 13813; plus strand). Cytogenetic location: 22q13.2.
Variant type: single nucleotide variant.
Coding change: c.257G>T on transcript NM_052945.4 (MANE Select); coding-DNA position 257, G replaced by T.
Protein change: p.Gly86Val; replaces glycine 86 with valine.
Molecular consequence: missense variant.
Genome position (GRCh38, 1-based): chr22:41,926,211, C>A on the plus strand (G>T on the coding strand, the complement: TNFRSF13C is on the minus strand). VCF-style: chr22-41926211-C-A. GRCh37 (hg19) VCF-style: chr22-42322215-C-A.
Other names: short protein forms G86V.
Identifiers: ClinVar variation 2760011 (VCV002760011.3), dbSNP rs749773854, ClinGen allele CA10262497.

ClinVar aggregate classification (germline): Uncertain significance (1 of 4 stars; one submission).

Conditions:
Immunodeficiency, common variable, 4. Also called: ANTIBODY DEFICIENCY DUE TO BAFFR DEFECT. Identifiers: Orphanet 1572, Orphanet 696925, MedGen C3150739, MONDO:0013284, OMIM 613494.

Allele frequency attached by ClinVar (database versions not stated): ExAC 0.00001; gnomAD exomes below 0.00001.
gnomAD v4.1: 1 of 1,602,806 alleles (0.000062%); highest among the groups gnomAD compares: Non-Finnish European, 0.000085%; no homozygotes.

Submission:

Labcorp Genetics (formerly Invitae), Labcorp
Classification: Uncertain significance for Immunodeficiency, common variable, 4. Last evaluated: 2023-09-10. Review status: criteria provided, single submitter. Criteria: Invitae Variant Classification Sherloc (09022015). Collection method: clinical testing. Allele origin: germline.
Comment: The frequency data for this variant in the population databases is considered unreliable, as metrics indicate poor data quality at this position in the gnomAD database. This sequence change replaces glycine, which is neutral and non-polar, with valine, which is neutral and non-polar, at codon 86 of the TNFRSF13C protein (p.Gly86Val). This variant has not been reported in the literature in individuals affected with TNFRSF13C-related conditions. An algorithm developed to predict the effect of missense changes on protein structure and function (PolyPhen-2) suggests that this variant is likely to be disruptive. In summary, the available evidence is currently insufficient to determine the role of this variant in disease. Therefore, it has been classified as a Variant of Uncertain Significance.